The following is an entry in ClinVar:

ClinVar aggregate classification (germline): Benign/Likely benign. Review status: criteria provided, multiple submitters, no conflicts (2 of 4 stars). 33 submissions from 32 submitters: Benign (12); Likely benign (10). 11 of the submissions do not count toward it. Last evaluated 2026-09-01.

Conditions:
Hereditary cancer-predisposing syndrome. Also called: Neoplastic Syndromes, Hereditary; Hereditary Cancer Syndrome; Tumor predisposition; Hereditary neoplastic syndrome. Identifiers: Orphanet 140162, MedGen C0027672, MeSH D009386, MONDO:0015356.
Breast and/or ovarian cancer. Identifiers: MedGen CN221562.
Ovarian cancer. Also called: OVARIAN CANCER, SOMATIC. Identifiers: Orphanet 213500, MedGen C1140680, MONDO:0008170, OMIM 167000.
Familial cancer of breast. Also called: hereditary breast carcinoma; BREAST CANCER, FAMILIAL; Hereditary breast cancer. Identifiers: Orphanet 227535, MedGen C0346153, MONDO:0016419, OMIM 114480. Disease mechanism: loss of function.
Fanconi anemia complementation group J. Also called: BRIP1-Related Fanconi Anemia. Identifiers: Orphanet 84, MedGen C1836860, MONDO:0012187, OMIM 609054.
Hereditary breast ovarian cancer syndrome. Also called: Hereditary breast and ovarian cancer syndrome; Breast and ovarian cancer; BRCA1- and BRCA2-Associated Hereditary Breast and Ovarian Cancer; Hereditary breast and ovarian cancer; Hereditary breast and ovarian cancer syndrome (HBOC); Hereditary breast and/or ovarian cancer syndrome. Identifiers: Orphanet 145, MedGen C0677776, MeSH D061325, MONDO:0003582. Disease mechanism: loss of function.
Malignant tumor of breast. Also called: Malignant breast neoplasm; Cancer breast. Identifiers: MedGen C0006142, MONDO:0007254. Disease mechanism: loss of function.

Allele frequency attached by ClinVar (database versions not stated): 1000 Genomes Project 30x 0.00125; 1000 Genomes Project 0.00140; gnomAD 0.00297 and 0.00305; TOPMed 0.00340; gnomAD exomes 0.00370 and 0.00404; ExAC 0.00396; ESP Exome Variant Server 0.00400.
gnomAD v4.1: 6,376 of 1,613,630 alleles (0.4%); highest among the groups gnomAD compares: Middle Eastern, 0.94%; 35 homozygotes.

Submissions 1 to 26 of 33:

CeGaT Center for Human Genetics Tuebingen
Classification: Likely benign. Last evaluated: 2026-09-01. Review status: criteria provided, single submitter. Criteria: CeGaT Center For Human Genetics Tuebingen Variant Classification Criteria Version 2. Collection method: clinical testing. Allele origin: germline. Affected: yes. Observed: 64 variant alleles.
Comment: BRIP1: BP4, BS2

Labcorp Genetics (formerly Invitae), Labcorp
Classification: Benign for Familial cancer of breast; Fanconi anemia complementation group J. Last evaluated: 2026-02-04. Review status: criteria provided, single submitter. Criteria: Invitae Variant Classification Sherloc (09022015). Collection method: clinical testing. Allele origin: germline.

Quest Diagnostics Nichols Institute San Juan Capistrano
Classification: Benign. Last evaluated: 2025-08-18. Review status: criteria provided, single submitter. Criteria: Quest Diagnostics criteria. Collection method: clinical testing. Allele origin: unknown.

Center for Genomic Medicine, Rigshospitalet, Copenhagen University Hospital
Classification: Likely benign. Last evaluated: 2025-03-04. Review status: criteria provided, single submitter. Criteria: ACMG Guidelines, 2015. Collection method: clinical testing. Allele origin: germline.

Mayo Clinic Laboratories, Mayo Clinic
Classification: Likely benign. Last evaluated: 2025-02-11. Review status: criteria provided, single submitter. Criteria: ACMG Guidelines, 2015. Collection method: clinical testing. Allele origin: germline. Observed: 13 variant alleles.
Comment: BS1, BP4

Blueprint Genetics
Classification: Likely benign. Last evaluated: 2024-11-28. Review status: criteria provided, single submitter. Criteria: ACMG Guidelines, 2015. Collection method: clinical testing. Allele origin: germline.

Color Diagnostics, LLC DBA Color Health
Classification: Benign for Hereditary cancer-predisposing syndrome. Last evaluated: 2024-09-19. Review status: criteria provided, single submitter. Criteria: ACMG Guidelines, 2015. Collection method: clinical testing. Allele origin: germline.

ARUP Laboratories, Molecular Genetics and Genomics, ARUP Laboratories
Classification: Likely benign. Last evaluated: 2024-07-08. Review status: criteria provided, single submitter. Criteria: ARUP Molecular Germline Variant Investigation Process 2024. Collection method: clinical testing. Allele origin: germline.

KCCC/NGS Laboratory, Kuwait Cancer Control Center
Classification: Benign for Familial cancer of breast. Last evaluated: 2023-07-07. Review status: criteria provided, single submitter. Criteria: ACMG Guidelines, 2015. Collection method: clinical testing. Allele origin: germline. Affected: yes.

CHEO Genetics Diagnostic Laboratory, Children's Hospital of Eastern Ontario
Classification: Benign for Breast and/or ovarian cancer. Last evaluated: 2023-05-01. Review status: criteria provided, single submitter. Criteria: ACMG Guidelines, 2015. Collection method: clinical testing. Allele origin: germline.

Myriad Genetics, Inc.
Classification: Benign for Familial cancer of breast. Last evaluated: 2023-03-02. Review status: criteria provided, single submitter. Criteria: Myriad Autosomal Dominant, Autosomal Recessive and X-Linked Classification Criteria (2023). Collection method: clinical testing. Allele origin: unknown.
Comment: This variant is considered benign. This variant has been observed at a population frequency that is significantly greater than expected given the associated disease prevalence and penetrance. Homozygosity for this variant has been confirmed in one or more individuals lacking clinical features consistent with gene-specific recessive disease, indicating that this variant is unlikely to be pathogenic.

National Health Laboratory Service, Universitas Academic Hospital and University of the Free State
Classification: Benign for Hereditary breast ovarian cancer syndrome. Last evaluated: 2022-04-19. Review status: criteria provided, single submitter. Criteria: ACMG Guidelines, 2015. Collection method: clinical testing. Allele origin: germline. Affected: yes. Observed: 1 variant allele.

Institute for Clinical Genetics, University Hospital TU Dresden, University Hospital TU Dresden
Classification: Likely benign. Last evaluated: 2021-11-03. Review status: criteria provided, single submitter. Criteria: ACMG Guidelines, 2015. Collection method: clinical testing. Allele origin: germline.

Fulgent Genetics
Classification: Likely benign for Familial cancer of breast; Fanconi anemia complementation group J. Last evaluated: 2021-08-23. Review status: criteria provided, single submitter. Criteria: ACMG Guidelines, 2015. Collection method: clinical testing. Allele origin: unknown.

Sema4
Classification: Benign for Hereditary cancer-predisposing syndrome. Last evaluated: 2020-10-09. Review status: criteria provided, single submitter. Criteria: Sema4 Curation Guidelines. Collection method: curation. Allele origin: germline.

Mendelics
Classification: Likely benign for Familial cancer of breast. Last evaluated: 2019-05-28. Review status: criteria provided, single submitter. Criteria: Mendelics Assertion Criteria 2017. Collection method: clinical testing. Allele origin: unknown.

Genetic Services Laboratory, University of Chicago
Classification: Benign. Last evaluated: 2019-02-27. Review status: criteria provided, single submitter. Criteria: ACMG Guidelines, 2015. Collection method: clinical testing. Allele origin: germline. Affected: no.

GeneDx
Classification: Benign. Last evaluated: 2017-05-14. Review status: criteria provided, single submitter. Criteria: GeneDx Variant Classification (06012015). Collection method: clinical testing. Allele origin: germline. Affected: yes.
Comment: This variant is considered likely benign or benign based on one or more of the following criteria: it is a conservative change, it occurs at a poorly conserved position in the protein, it is predicted to be benign by multiple in silico algorithms, and/or has population frequency not consistent with disease.

Illumina Laboratory Services, Illumina
Classification: Likely benign for Fanconi anemia complementation group J. Last evaluated: 2017-04-27. Review status: criteria provided, single submitter. Criteria: ICSL Variant Classification Criteria 13 December 2019. Collection method: clinical testing. Allele origin: germline.
Comment: This variant was observed as part of a predisposition screen in an ostensibly healthy population. A literature search was performed for the gene, cDNA change, and amino acid change (where applicable). No publications were found based on this search. Allele frequency data from public databases allowed determination this variant is unlikely to cause disease. Therefore, this variant is classified as likely benign.

Ambry Genetics
Classification: Benign for Hereditary cancer-predisposing syndrome. Last evaluated: 2014-08-04. Review status: criteria provided, single submitter. Criteria: Ambry Variant Classification Scheme 2023. Collection method: clinical testing. Allele origin: germline.

Breakthrough Genomics
Classification: Likely benign. Review status: criteria provided, single submitter. Criteria: ACMG Guidelines, 2015. Collection method: not provided. Allele origin: germline. Inheritance: Autosomal dominant inheritance. Affected: yes.

PreventionGenetics, part of Exact Sciences
Classification: Benign. Review status: criteria provided, single submitter. Criteria: ACMG Guidelines, 2015. Collection method: clinical testing. Allele origin: germline.

True Health Diagnostics
Classification: Likely benign for Hereditary cancer-predisposing syndrome. Last evaluated: 2018-05-30. Review status: no assertion criteria provided. Collection method: clinical testing. Allele origin: germline. Not counted in ClinVar's aggregate classification.

Counsyl
Classification: Benign for Fanconi anemia complementation group J. Last evaluated: 2016-05-25. Review status: no assertion criteria provided. Collection method: clinical testing. Allele origin: unknown. Not counted in ClinVar's aggregate classification.

Counsyl
Classification: Benign for Ovarian cancer. Last evaluated: 2016-05-25. Review status: no assertion criteria provided. Collection method: clinical testing. Allele origin: unknown. Not counted in ClinVar's aggregate classification.

ITMI
No classification provided. Condition: AllHighlyPenetrant. Last evaluated: 2013-09-19. Review status: no classification provided. Collection method: reference population. Allele origin: germline. Not counted in ClinVar's aggregate classification.
Comment: Please see associated publication for description of ethnicities

NM_032043.3(BRIP1):c.577G>A (p.Val193Ile)

Gene: BRIP1 (BRCA1 interacting DNA helicase 1; minus strand). Cytogenetic location: 17q23.2.
Variant type: single nucleotide variant.
Coding change: c.577G>A on transcript NM_032043.3 (MANE Select); coding-DNA position 577, G replaced by A.
Protein change: p.Val193Ile; replaces valine 193 with isoleucine.
Molecular consequence: missense variant.
Genome position (GRCh38, 1-based): chr17:61,847,151, C>T on the plus strand (G>A on the coding strand, the complement: BRIP1 is on the minus strand). VCF-style: chr17-61847151-C-T. GRCh37 (hg19) VCF-style: chr17-59924512-C-T.
Other names: p.V193I:GTA>ATA; NP_114432.2:p.Val193Ile; short protein forms V193I.
Identifiers: ClinVar variation 128192 (VCV000128192.94), dbSNP rs4988346, ClinGen allele CA157722.
Genomic context (GRCh38, chr17:61,847,151, plus strand): 5'-TAATACATACTTTCTGTGGCGAAAAGGAGTTTATCTTTTCCAGTGGAGAGTTGAGTTTTA[C>T]AGTCTTTCCTGAATCAACTTTTGCATCCAAATTGTGTACTTCTGTTCCAAAGCAATGACG-3'
Protein context (NP_114432.2, residues 183-203): LDAKVDSGKT[Val193Ile]KLNSPLEKIN